The following is an entry in ClinVar:

ClinVar aggregate classification (germline): Pathogenic (1 of 4 stars; one submission).

Submission:

Labcorp Genetics (formerly Invitae), Labcorp
Classification: Pathogenic. Last evaluated: 2025-07-19. Review status: criteria provided, single submitter. Criteria: Invitae Variant Classification Sherloc (09022015). Collection method: clinical testing. Allele origin: germline.
Comment: This sequence change creates a premature translational stop signal (p.Ile750Argfs*62) in the TET2 gene. It is expected to result in an absent or disrupted protein product. Loss-of-function variants in TET2 are known to be pathogenic (PMID: 36066697). This variant is not present in population databases (gnomAD no frequency). This variant has not been reported in the literature in individuals affected with TET2-related conditions. For these reasons, this variant has been classified as Pathogenic.

Literature cited by the submitters: PubMed 36066697.

NM_001127208.3(TET2):c.2249_2252del (p.Ile750fs)

Genes: TET2 (tet methylcytosine dioxygenase 2; plus strand), TET2-AS1 (TET2 antisense RNA 1; minus strand). Cytogenetic location: 4q24.
Variant type: Deletion.
Coding change: c.2249_2252del on transcript NM_001127208.3 (MANE Select); coding-DNA positions 2249 to 2252, 4 bases deleted (TAAA; older notation c.2249_2252delTAAA).
Protein change: p.Ile750fs; shifts the reading frame from isoleucine 750.
Molecular consequence: frameshift variant.
Genome position (GRCh38, 1-based): chr4:105,236,191-105,236,194, TAAA deleted; deleting any 4 consecutive bases within chr4:105,236,188-105,236,194 gives the same sequence; the c. name uses the placement nearest the transcript's 3' end. VCF-style (leftmost placement, unchanged base first): chr4-105236187-CAAAT-C. GRCh37 (hg19) VCF-style: chr4-106157344-CAAAT-C.
Other names: c.2249_2252del, p.Ile750fs (NM_017628.4); short protein forms I750fs.
Identifiers: ClinVar variation 4774757 (VCV004774757.1).
Genomic context (GRCh38, chr4:105,236,187, plus strand): 5'-CAAACACAACCATCCCAGAGTTCACATCTCCCTCAAAACCAGCAACAGCAGCAAAAATTA[CAAAT>C]AAAGAATAAAGAGGAAATACTCCAGACTTTTCCTCACCCCCAAAGCAACAATGATCAGCA-3'